The following is an entry in ClinVar:

NM_000466.3(PEX1):c.2550dup (p.Ile851fs)

Gene: PEX1 (peroxisomal biogenesis factor 1; minus strand). Cytogenetic location: 7q21.2.
Variant type: Duplication.
Coding change: c.2550dup on transcript NM_000466.3 (MANE Select); coding-DNA position 2550, one base duplicated (G; older notation c.2550dupG).
Protein change: p.Ile851fs; shifts the reading frame from isoleucine 851.
Molecular consequence: frameshift variant.
Genome position (GRCh38, 1-based): chr7:92,501,540, C duplicated on the plus strand (G on the coding strand, the reverse complement: PEX1 is on the minus strand). VCF-style (leftmost placement, unchanged base first): chr7-92501539-T-TC. GRCh37 (hg19) VCF-style: chr7-92130853-T-TC.
Other names: c.2379dup, p.Ile794fs (NM_001282677.2); c.1926dup, p.Ile643fs (NM_001282678.2); short protein forms I643fs, I794fs, I851fs.
Identifiers: ClinVar variation 1070094 (VCV001070094.8), dbSNP rs2116145117, ClinGen allele CA2499219051.
Genomic context (GRCh38, chr7:92,501,539, plus strand): 5'-TATTCACTTTTTCTTTTTTTAAACATACCTTGGCAGGTAACTGGATAGTATCCATGAGTA[T>TC]CTGCCTAACTTCATGTAACCCACCAATCTTGTCCCAACCCAGGTCTCTAGGTTTATGCAG-3'

ClinVar aggregate classification (germline): Pathogenic/Likely pathogenic. Review status: criteria provided, multiple submitters, no conflicts (2 of 4 stars). 2 submissions from 2 submitters: Pathogenic (1); Likely pathogenic (1). Last evaluated 2024-09-23.

Conditions:
PEX1-related disorder. Also called: PEX1-related condition.
Zellweger spectrum disorders (ZS). Also called: Zellweger Spectrum Disorder; Zellweger Spectrum; Zellweger Spectrum Disorder (ZSD); Zellweger syndrome. Identifiers: Orphanet 912, MedGen C0043459, MONDO:0019609.

Submissions (2):

Blueprint Genetics
Classification: Likely pathogenic for PEX1-related disorders. Last evaluated: 2024-09-23. Review status: criteria provided, single submitter. Criteria: ACMG Guidelines, 2015. Collection method: clinical testing. Allele origin: germline. Affected: yes. Observed: 1 variant allele.

Labcorp Genetics (formerly Invitae), Labcorp
Classification: Pathogenic for Zellweger spectrum disorders. Last evaluated: 2022-10-09. Review status: criteria provided, single submitter. Criteria: Invitae Variant Classification Sherloc (09022015). Collection method: clinical testing. Allele origin: germline.
Comment: For these reasons, this variant has been classified as Pathogenic. ClinVar contains an entry for this variant (Variation ID: 1070094). This variant has not been reported in the literature in individuals affected with PEX1-related conditions. This variant is not present in population databases (gnomAD no frequency). This sequence change creates a premature translational stop signal (p.Ile851Aspfs*49) in the PEX1 gene. It is expected to result in an absent or disrupted protein product. Loss-of-function variants in PEX1 are known to be pathogenic (PMID: 9398847, 16086329, 16141001, 21031596, 26387595, 31831025).

Literature cited by the submitters: PubMed 9398847 (cited by Labcorp Genetics (formerly Invitae), Labcorp); PubMed 16086329 (cited by Labcorp Genetics (formerly Invitae), Labcorp); PubMed 16141001 (cited by Labcorp Genetics (formerly Invitae), Labcorp); PubMed 21031596 (cited by Labcorp Genetics (formerly Invitae), Labcorp); PubMed 26387595 (cited by Labcorp Genetics (formerly Invitae), Labcorp); PubMed 31831025 (cited by Labcorp Genetics (formerly Invitae), Labcorp).